The following is an entry in ClinVar:

NM_201253.3(CRB1):c.3320T>G (p.Leu1107Arg)

Gene: CRB1 (crumbs cell polarity complex component 1; plus strand). Cytogenetic location: 1q31.3.
Variant type: single nucleotide variant.
Coding change: c.3320T>G on transcript NM_201253.3 (MANE Select); coding-DNA position 3320, T replaced by G.
Protein change: p.Leu1107Arg; replaces leucine 1107 with arginine.
Molecular consequence: missense variant. On other transcripts: non-coding transcript variant (2), intron variant (1).
Genome position (GRCh38, 1-based): chr1:197,435,183, T>G. VCF-style: chr1-197435183-T-G. GRCh37 (hg19) VCF-style: chr1-197404313-T-G.
Other names: c.2984T>G, p.Leu995Arg (NM_001193640.2); c.3248T>G, p.Leu1083Arg (NM_001257965.2); c.2129-417T>G (NM_001257966.2); short protein forms L1107R, L995R, L1083R.
Identifiers: ClinVar variation 99898 (VCV000099898.6), dbSNP rs62636276, ClinGen allele CA228037.

ClinVar aggregate classification (germline): Pathogenic. Review status: criteria provided, single submitter (1 of 4 stars). 3 submissions from 3 submitters: Pathogenic (1). 2 of the submissions do not count toward it. Last evaluated 2022-05-09.

Conditions:
Leber congenital amaurosis 8 (LCA8). Identifiers: Orphanet 65, MedGen C3151202, MONDO:0013453, OMIM 613835.
Retinitis pigmentosa 12 (RP12). Also called: RP WITH OR WITHOUT PPRPE; RP WITH OR WITHOUT PRESERVED PARAARTERIOLE RETINAL PIGMENT EPITHELIUM; RETINITIS PIGMENTOSA WITH OR WITHOUT PARAARTERIOLAR PRESERVATION OF RETINAL PIGMENT EPITHELIUM. Identifiers: Orphanet 791, MedGen C1838647, MONDO:0010818, OMIM 600105.

Submissions (3):

Labcorp Genetics (formerly Invitae), Labcorp
Classification: Pathogenic for Leber congenital amaurosis 8; Retinitis pigmentosa 12. Last evaluated: 2022-05-09. Review status: criteria provided, single submitter. Criteria: Invitae Variant Classification Sherloc (09022015). Collection method: clinical testing. Allele origin: germline.
Comment: ClinVar contains an entry for this variant (Variation ID: 99898). For these reasons, this variant has been classified as Pathogenic. This variant disrupts the p.Leu1107 amino acid residue in CRB1. Other variant(s) that disrupt this residue have been determined to be pathogenic (PMID: 15024725, 20956273; Invitae). This suggests that this residue is clinically significant, and that variants that disrupt this residue are likely to be disease-causing. Advanced modeling of protein sequence and biophysical properties (such as structural, functional, and spatial information, amino acid conservation, physicochemical variation, residue mobility, and thermodynamic stability) performed at Invitae indicates that this missense variant is expected to disrupt CRB1 protein function. This missense change has been observed in individuals with retinitis pigmentosa (PMID: 28819299; Invitae). This variant is not present in population databases (gnomAD no frequency). This sequence change replaces leucine, which is neutral and non-polar, with arginine, which is basic and polar, at codon 1107 of the CRB1 protein (p.Leu1107Arg).

Laboratory of Genetics in Ophthalmology, Institut Imagine
Classification: Likely pathogenic for Leber congenital amaurosis 8. Review status: no assertion criteria provided. Collection method: research. Allele origin: inherited. Affected: yes. Observed: 1 variant allele. Not counted in ClinVar's aggregate classification.

Retina International
No classification provided. Review status: no classification provided. Collection method: not provided. Allele origin: not provided. Not counted in ClinVar's aggregate classification.

Literature cited by the submitters: PubMed 15024725 (cited by Labcorp Genetics (formerly Invitae), Labcorp and Laboratory of Genetics in Ophthalmology, Institut Imagine); PubMed 20956273 (cited by Labcorp Genetics (formerly Invitae), Labcorp); PubMed 28819299 (cited by Labcorp Genetics (formerly Invitae), Labcorp).